The following is an entry in ClinVar:

NM_021096.4(CACNA1I):c.5307G>A (p.Pro1769=)

Gene: CACNA1I (calcium voltage-gated channel subunit alpha1 I; plus strand). Cytogenetic location: 22q13.1.
Variant type: single nucleotide variant.
Coding change: c.5307G>A on transcript NM_021096.4 (MANE Select); coding-DNA position 5307, G replaced by A.
Protein change: p.Pro1769=; no amino-acid change (proline 1769 retained).
Molecular consequence: synonymous variant.
Genome position (GRCh38, 1-based): chr22:39,679,358, G>A. VCF-style: chr22-39679358-G-A. GRCh37 (hg19) VCF-style: chr22-40075363-G-A.
Other names: c.5202G>A, p.Pro1734= (NM_001003406.2).
Identifiers: ClinVar variation 2653162 (VCV002653162.24), dbSNP rs370042686, ClinGen allele CA10244953.
Genomic context (GRCh38, chr22:39,679,358, plus strand): 5'-GCTCGAGCTGGAGATGGCCCATGGCCTGGGCCCTGGCCCGAGGCTGCCTACCGGCTCCCC[G>A]GGCGCCCCTGGCCGAGGGCCGGGAGGGGCGGGCGGCGGGGGCGACACCGAGGGCGGCTTG-3'
Protein context (NP_066919.2, residues 1759-1779): GPGPRLPTGS[Pro1769=]GAPGRGPGGA

ClinVar aggregate classification (germline): Likely benign (1 of 4 stars; one submission).

Allele frequency attached by ClinVar (database versions not stated): ExAC 0.00015; ESP Exome Variant Server 0.00020; gnomAD exomes 0.00031; gnomAD 0.00038; TOPMed 0.00041.

Submission:

CeGaT Center for Human Genetics Tuebingen
Classification: Likely benign. Last evaluated: 2022-11-01. Review status: criteria provided, single submitter. Criteria: CeGaT Center For Human Genetics Tuebingen Variant Classification Criteria Version 2. Collection method: clinical testing. Allele origin: germline. Affected: yes. Observed: 1 variant allele.
Comment: CACNA1I: BP4, BP7